The following is an entry in ClinVar:

NM_002860.4(ALDH18A1):c.808+3A>G

Gene: ALDH18A1 (aldehyde dehydrogenase 18 family member A1; minus strand). Cytogenetic location: 10q24.1.
Variant type: single nucleotide variant.
Coding change: c.808+3A>G on transcript NM_002860.4 (MANE Select); 3 bases into the intron after coding-DNA position 808, A replaced by G.
Molecular consequence: intron variant.
Genome position (GRCh38, 1-based): chr10:95,632,956, T>C on the plus strand (A>G on the coding strand, the complement: ALDH18A1 is on the minus strand). VCF-style: chr10-95632956-T-C. GRCh37 (hg19) VCF-style: chr10-97392713-T-C.
Other names: c.172+3A>G (NM_001323419.2); c.475+3A>G (NM_001323412.2, NM_001323416.2); c.703+3A>G (NM_001323417.2); c.802+3A>G (NM_001017423.2, NM_001323415.2); c.469+3A>G (NM_001323418.2); c.808+3A>G (NM_001323413.2, NM_001323414.2).
Identifiers: ClinVar variation 2928463 (VCV002928463.3), dbSNP rs2526866676, ClinGen allele CA2740093487.
Genomic context (GRCh38, chr10:95,632,956, plus strand): 5'-TGTGCTCACATATGTAGCATTTAAAACAAAGGGCAGATAAAGGAAAAAAGCATTACTTTG[T>C]ACCTTCTACATCTGAAAGAACAATCAAGAGATCAGTTTTCATTTCCACAGCCAGTCGGGC-3'

ClinVar aggregate classification (germline): Uncertain significance (1 of 4 stars; one submission).

Conditions:
Autosomal dominant spastic paraplegia type 9. Identifiers: MedGen C1832669, MONDO:0015091.
de Barsy syndrome. Also called: Cutis laxa-corneal clouding-oligophrenia syndrome. Identifiers: Orphanet 2962, MedGen C0268354, MONDO:0017569.
Cutis laxa, autosomal dominant 3 (ADCL3). Identifiers: Orphanet 90348, MedGen C4225268, MONDO:0014706, OMIM 616603.

Submission:

Labcorp Genetics (formerly Invitae), Labcorp
Classification: Uncertain significance for Autosomal dominant spastic paraplegia type 9; de Barsy syndrome; Cutis laxa, autosomal dominant 3. Last evaluated: 2025-08-11. Review status: criteria provided, single submitter. Criteria: Invitae Variant Classification Sherloc (09022015). Collection method: clinical testing. Allele origin: germline.
Comment: This sequence change falls in intron 7 of the ALDH18A1 gene. It does not directly change the encoded amino acid sequence of the ALDH18A1 protein. It affects a nucleotide within the consensus splice site. This variant is not present in population databases (gnomAD no frequency). This variant has not been reported in the literature in individuals affected with ALDH18A1-related conditions. ClinVar contains an entry for this variant (Variation ID: 2928463). Variants that disrupt the consensus splice site are a relatively common cause of aberrant splicing (PMID: 17576681, 9536098). Algorithms developed to predict the effect of sequence changes on RNA splicing suggest that this variant may disrupt the consensus splice site. In summary, the available evidence is currently insufficient to determine the role of this variant in disease. Therefore, it has been classified as a Variant of Uncertain Significance.

Literature cited by the submitters: PubMed 17576681; PubMed 9536098.